The following is an entry in ClinVar:

NM_001005242.3(PKP2):c.1680_1681delinsTT (p.Glu561Ter)

Gene: PKP2 (plakophilin 2; minus strand). Cytogenetic location: 12p11.21.
Variant type: Indel.
Coding change: c.1680_1681delinsTT on transcript NM_001005242.3 (MANE Select); coding-DNA positions 1680 to 1681, GG replaced by TT.
Protein change: p.Glu561Ter; replaces glutamic acid 561 with a stop codon.
Molecular consequence: nonsense. On other transcripts: intron variant (1).
Genome position (GRCh38, 1-based): chr12:32,822,625-32,822,626, CC replaced by AA on the plus strand (GG replaced by TT on the coding strand, the reverse complement: PKP2 is on the minus strand). VCF-style: chr12-32822625-CC-AA. GRCh37 (hg19) VCF-style: chr12-32975559-CC-AA.
Other names: c.1680_1681delinsTT, p.Glu561Ter (NM_001407155.1, NM_001407161.1); c.1812_1813delinsTT, p.Glu605Ter (NM_001407157.1, NM_004572.4); c.1353_1354delinsTT, p.Glu452Ter (NM_001407158.1, NM_001407159.1, NM_001407160.1 and 1 more transcripts); c.1675-1097_1675-1096delinsTT (NM_001407156.1); short protein forms E561*, E605*, E452*.
Identifiers: ClinVar variation 2766878 (VCV002766878.3), dbSNP rs2541232121, ClinGen allele CA2697559158.

ClinVar aggregate classification (germline): Pathogenic (1 of 4 stars; one submission).

Conditions:
Arrhythmogenic right ventricular dysplasia 9 (ARVD9). Also called: Arrhythmogenic Right Ventricular Dysplasia/Cardiomyopathy 9; ARRHYTHMOGENIC RIGHT VENTRICULAR DYSPLASIA, FAMILIAL, 9. Identifiers: MedGen C1836906, MONDO:0012180, OMIM 609040.

Submission:

Labcorp Genetics (formerly Invitae), Labcorp
Classification: Pathogenic for Arrhythmogenic right ventricular dysplasia 9. Last evaluated: 2026-01-19. Review status: criteria provided, single submitter. Criteria: Invitae Variant Classification Sherloc (09022015). Collection method: clinical testing. Allele origin: germline.
Comment: This sequence change creates a premature translational stop signal (p.Glu605*) in the PKP2 gene. It is expected to result in an absent or disrupted protein product. Loss-of-function variants in PKP2 are known to be pathogenic (PMID: 15489853, 17041889, 23911551). Information on the frequency of this variant in the gnomAD database is not available, as this variant may be reported differently in the database. This variant has not been reported in the literature in individuals affected with PKP2-related conditions. ClinVar contains an entry for this variant (Variation ID: 2766878). For these reasons, this variant has been classified as Pathogenic.

Literature cited by the submitters: PubMed 15489853; PubMed 17041889; PubMed 23911551.